The following is an entry in ClinVar:

NM_000637.5(GSR):c.703G>A (p.Val235Ile)

Gene: GSR (glutathione-disulfide reductase; minus strand). Cytogenetic location: 8p12.
Variant type: single nucleotide variant.
Coding change: c.703G>A on transcript NM_000637.5 (MANE Select); coding-DNA position 703, G replaced by A.
Protein change: p.Val235Ile; replaces valine 235 with isoleucine.
Molecular consequence: missense variant.
Genome position (GRCh38, 1-based): chr8:30,696,472, C>T on the plus strand (G>A on the coding strand, the complement: GSR is on the minus strand). VCF-style: chr8-30696472-C-T. GRCh37 (hg19) VCF-style: chr8-30553989-C-T.
Other names: c.703G>A, p.Val235Ile (NM_001195102.3, NM_001195103.3, NM_001195104.3); short protein forms V235I.
Identifiers: ClinVar variation 1918384 (VCV001918384.2), dbSNP rs756475234, ClinGen allele CA4701405.

ClinVar aggregate classification (germline): Uncertain significance (1 of 4 stars; one submission).

Allele frequency attached by ClinVar (database versions not stated): ExAC 0.00001; gnomAD exomes 0.00001; gnomAD 0.00002; TOPMed 0.00002.
gnomAD v4.1: 24 of 1,609,854 alleles (0.0015%); highest among the groups gnomAD compares: Middle Eastern, 0.049%; no homozygotes.

Submission:

Labcorp Genetics (formerly Invitae), Labcorp
Classification: Uncertain significance. Last evaluated: 2022-02-04. Review status: criteria provided, single submitter. Criteria: Invitae Variant Classification Sherloc (09022015). Collection method: clinical testing. Allele origin: germline.
Comment: This sequence change replaces valine, which is neutral and non-polar, with isoleucine, which is neutral and non-polar, at codon 235 of the GSR protein (p.Val235Ile). This variant is present in population databases (rs756475234, gnomAD 0.04%). This variant has not been reported in the literature in individuals affected with GSR-related conditions. Algorithms developed to predict the effect of missense changes on protein structure and function are either unavailable or do not agree on the potential impact of this missense change (SIFT: "Deleterious"; PolyPhen-2: "Benign"; Align-GVGD: "Class C0"). In summary, the available evidence is currently insufficient to determine the role of this variant in disease. Therefore, it has been classified as a Variant of Uncertain Significance.